The following is an entry in ClinVar:

ClinVar aggregate classification (germline): Uncertain significance (1 of 4 stars; one submission).

Allele frequency attached by ClinVar (database versions not stated): gnomAD exomes below 0.00001 and 0.00002; gnomAD 0.00002 and 0.00003.
gnomAD v4.1: 29 of 1,603,696 alleles (0.0018%); highest among the groups gnomAD compares: East Asian, 0.034%; 1 homozygote.

Submission:

Labcorp Genetics (formerly Invitae), Labcorp
Classification: Uncertain significance. Last evaluated: 2022-08-19. Review status: criteria provided, single submitter. Criteria: Invitae Variant Classification Sherloc (09022015). Collection method: clinical testing. Allele origin: germline.
Comment: This sequence change replaces glycine, which is neutral and non-polar, with serine, which is neutral and polar, at codon 1490 of the PTPN23 protein (p.Gly1490Ser). This variant is present in population databases (rs111678754, gnomAD 0.004%). This variant has not been reported in the literature in individuals affected with PTPN23-related conditions. ClinVar contains an entry for this variant (Variation ID: 1369989). Algorithms developed to predict the effect of missense changes on protein structure and function are either unavailable or do not agree on the potential impact of this missense change (SIFT: "Tolerated"; PolyPhen-2: "Probably Damaging"; Align-GVGD: "Class C0"). Algorithms developed to predict the effect of sequence changes on RNA splicing suggest that this variant may create or strengthen a splice site. In summary, the available evidence is currently insufficient to determine the role of this variant in disease. Therefore, it has been classified as a Variant of Uncertain Significance.

NM_015466.4(PTPN23):c.4468G>A (p.Gly1490Ser)

Gene: PTPN23 (protein tyrosine phosphatase non-receptor type 23; plus strand). Cytogenetic location: 3p21.31.
Variant type: single nucleotide variant.
Coding change: c.4468G>A on transcript NM_015466.4 (MANE Select); coding-DNA position 4468, G replaced by A.
Protein change: p.Gly1490Ser; replaces glycine 1490 with serine.
Molecular consequence: missense variant.
Genome position (GRCh38, 1-based): chr3:47,412,742, G>A. VCF-style: chr3-47412742-G-A. GRCh37 (hg19) VCF-style: chr3-47454232-G-A.
Other names: c.4090G>A, p.Gly1364Ser (NM_001304482.2); short protein forms G1490S, G1364S.
Identifiers: ClinVar variation 1369989 (VCV001369989.5), dbSNP rs111678754, ClinGen allele CA73886170.
Genomic context (GRCh38, chr3:47,412,742, plus strand): 5'-TCCTCACTCACTCTGTCTTCTCAGAACCACCTTCCTCAGGACTCCCAGGACCTGGTCCTC[G>A]GTGGGGATGTGCCCATCAGCTCCATCCAGGCCACCATTGCCAAGCTCAGCATTCGGCCTC-3'
Protein context (NP_056281.1, residues 1480-1500): LPQDSQDLVL[Gly1490Ser]GDVPISSIQA